The following is an entry in ClinVar:

NM_004104.5(FASN):c.4078C>G (p.Leu1360Val)

Gene: FASN (fatty acid synthase; minus strand). Cytogenetic location: 17q25.3.
Variant type: single nucleotide variant.
Coding change: c.4078C>G on transcript NM_004104.5 (MANE Select); coding-DNA position 4078, C replaced by G.
Protein change: p.Leu1360Val; replaces leucine 1360 with valine.
Molecular consequence: missense variant.
Genome position (GRCh38, 1-based): chr17:82,085,526, G>C on the plus strand (C>G on the coding strand, the complement: FASN is on the minus strand). VCF-style: chr17-82085526-G-C. GRCh37 (hg19) VCF-style: chr17-80043402-G-C.
Other names: short protein forms L1360V.
Identifiers: ClinVar variation 2890379 (VCV002890379.3), dbSNP rs1207835448, ClinGen allele CA401549061.
Genomic context (GRCh38, chr17:82,085,526, plus strand): 5'-TGCCCGGCGGCCGCACCTGGCTCAGGATGCCCTGGCCATACTGCGGCTCAGTGGAGGTGA[G>C]GAAGGCCACGATGTCCCCGAGGGGGTGCCCCCGGAGCAGTGTGTGCAGGAGCAGAAAGCC-3'
Protein context (NP_004095.4, residues 1350-1370): GHPLGDIVAF[Leu1360Val]TSTEPQYGQG

ClinVar aggregate classification (germline): Uncertain significance (1 of 4 stars; one submission).

Conditions:
Epileptic encephalopathy. Identifiers: MedGen C0543888, HP:0200134.

Allele frequency attached by ClinVar (database versions not stated): gnomAD exomes below 0.00001.
gnomAD v4.1: 1 of 1,596,234 alleles (0.000063%); no homozygotes.

Submission:

Labcorp Genetics (formerly Invitae), Labcorp
Classification: Uncertain significance for Epileptic encephalopathy. Last evaluated: 2023-05-01. Review status: criteria provided, single submitter. Criteria: Invitae Variant Classification Sherloc (09022015). Collection method: clinical testing. Allele origin: germline.
Comment: An algorithm developed to predict the effect of missense changes on protein structure and function (PolyPhen-2) suggests that this variant is likely to be tolerated. In summary, the available evidence is currently insufficient to determine the role of this variant in disease. Therefore, it has been classified as a Variant of Uncertain Significance. This variant has not been reported in the literature in individuals affected with FASN-related conditions. This variant is not present in population databases (gnomAD no frequency). This sequence change replaces leucine, which is neutral and non-polar, with valine, which is neutral and non-polar, at codon 1360 of the FASN protein (p.Leu1360Val).